The following is an entry in ClinVar:

NM_001231.5(CASQ1):c.365-19C>A

Gene: CASQ1 (calsequestrin 1; plus strand). Cytogenetic location: 1q23.2.
Variant type: single nucleotide variant.
Coding change: c.365-19C>A on transcript NM_001231.5 (MANE Select); 19 bases into the intron before coding-DNA position 365, C replaced by A.
Molecular consequence: intron variant.
Genome position (GRCh38, 1-based): chr1:160,193,728, C>A. VCF-style: chr1-160193728-C-A. GRCh37 (hg19) VCF-style: chr1-160163518-C-A.
Identifiers: ClinVar variation 3336223 (VCV003336223.1).

ClinVar aggregate classification (germline): Likely benign (1 of 4 stars; one submission).

gnomAD v4.1: 46 of 1,430,016 alleles (0.0032%); highest among the groups gnomAD compares: Admixed American, 0.02%; no homozygotes.

Submission:

Women's Health and Genetics/Laboratory Corporation of America, LabCorp
Classification: Likely benign. Last evaluated: 2024-05-02. Review status: criteria provided, single submitter. Criteria: LabCorp Variant Classification Summary - May 2015. Collection method: clinical testing. Allele origin: germline.
Comment: Variant summary: CASQ1 c.365-19C>A alters a non-conserved nucleotide located at a position not widely known to affect splicing. Consensus agreement among computation tools predict no significant impact on normal splicing. However, these predictions have yet to be confirmed by functional studies. The variant allele was found at a frequency of 4.3e-05 in 234620 control chromosomes. To our knowledge, no occurrence of c.365-19C>A in individuals affected with Myopathy Due To Calsequestrin And SERCA1 Protein Overload and no experimental evidence demonstrating its impact on protein function have been reported. No submitters have cited clinical-significance assessments for this variant to ClinVar. Based on the evidence outlined above, the variant was classified as likely benign.